The following is an entry in ClinVar:

ClinVar aggregate classification (germline): Uncertain significance (1 of 4 stars; one submission).

Conditions:
IFT172-related disorder. Also called: IFT172-related condition; IFT172-related disorders.

gnomAD v4.1: 4 of 1,614,082 alleles (0.00025%); highest among the groups gnomAD compares: Admixed American, 0.0017%; no homozygotes.

Submission:

PreventionGenetics, part of Exact Sciences
Classification: Uncertain significance for IFT172-related condition. Last evaluated: 2024-10-10. Review status: criteria provided, single submitter. Criteria: ACMG Guidelines, 2015. Collection method: clinical testing. Allele origin: germline.
Comment: The IFT172 c.68C>G variant is predicted to result in the amino acid substitution p.Ala23Gly. To our knowledge, this variant has not been reported in the literature or in a large population database (gnomAD), indicating this variant is rare. At this time, the clinical significance of this variant is uncertain due to the absence of conclusive functional and genetic evidence.

NM_015662.3(IFT172):c.68C>G (p.Ala23Gly)

Gene: IFT172 (intraflagellar transport 172; minus strand). Cytogenetic location: 2p23.3.
Variant type: single nucleotide variant.
Coding change: c.68C>G on transcript NM_015662.3 (MANE Select); coding-DNA position 68, C replaced by G.
Protein change: p.Ala23Gly; replaces alanine 23 with glycine.
Molecular consequence: missense variant.
Genome position (GRCh38, 1-based): chr2:27,485,475, G>C on the plus strand (C>G on the coding strand, the complement: IFT172 is on the minus strand). VCF-style: chr2-27485475-G-C. GRCh37 (hg19) VCF-style: chr2-27708342-G-C.
Other names: c.68C>G, p.Ala23Gly (NM_001410739.1); short protein forms A23G.
Identifiers: ClinVar variation 4986138 (VCV004986138.1).
Genomic context (GRCh38, chr2:27,485,475, plus strand): 5'-TACAGCAAGACCACTCGGTCCACTGTGCAGACAGCAAATTTGGCATTGTTCTGGGACCAA[G>C]CCATGCAGGTCACCTTTGCAGCTCCATCCTGTAGAGGCAAAGGGGTAAAAACAAACCCAT-3'
Protein context (NP_056477.1, residues 13-33): QDGAAKVTCM[Ala23Gly]WSQNNAKFAV